The following is an entry in ClinVar:

NM_001374675.1(HSF4):c.568C>T (p.Gln190Ter)

Gene: HSF4 (heat shock transcription factor 4; plus strand). Cytogenetic location: 16q22.1.
Variant type: single nucleotide variant.
Coding change: c.568C>T on transcript NM_001374675.1 (MANE Select); coding-DNA position 568, C replaced by T.
Protein change: p.Gln190Ter; replaces glutamine 190 with a stop codon.
Molecular consequence: nonsense.
Genome position (GRCh38, 1-based): chr16:67,166,564, C>T. VCF-style: chr16-67166564-C-T. GRCh37 (hg19) VCF-style: chr16-67200467-C-T.
Other names: c.568C>T, p.Gln190Ter (NM_001040667.3, NM_001374674.1, NM_001538.4); c.568C>T (NM_001538.3); short protein forms Q190*.
Identifiers: ClinVar variation 1995440 (VCV001995440.2), dbSNP rs770722728, ClinGen allele CA8101885.

ClinVar aggregate classification (germline): Pathogenic. Review status: criteria provided, single submitter (1 of 4 stars). 2 submissions from 2 submitters: Pathogenic (1). 1 of the submissions does not count toward it. Last evaluated 2022-07-12.

Conditions:
Cataract 5 multiple types (CTRCT5). Also called: CATARACT 5, LAMELLAR; Lamellar cataract; CATARACT, MARNER TYPE. Identifiers: Orphanet 91492, MedGen C0266537, MONDO:0007290, OMIM 116800, HP:0007971.
HSF4-related disorder. Also called: HSF4-related condition.

Allele frequency attached by ClinVar (database versions not stated): ExAC 0.00001; gnomAD exomes 0.00001; gnomAD 0.00002; TOPMed 0.00002.
gnomAD v4.1: 22 of 1,613,844 alleles (0.0014%); highest among the groups gnomAD compares: Non-Finnish European, 0.0018%; no homozygotes.

Submissions (2):

Labcorp Genetics (formerly Invitae), Labcorp
Classification: Pathogenic for Cataract 5 multiple types. Last evaluated: 2022-07-12. Review status: criteria provided, single submitter. Criteria: Invitae Variant Classification Sherloc (09022015). Collection method: clinical testing. Allele origin: germline.
Comment: This sequence change creates a premature translational stop signal (p.Gln190*) in the HSF4 gene. It is expected to result in an absent or disrupted protein product. Loss-of-function variants in HSF4 are known to be pathogenic (PMID: 15959809). This variant is present in population databases (rs770722728, gnomAD 0.007%). This variant has not been reported in the literature in individuals affected with HSF4-related conditions. Algorithms developed to predict the effect of sequence changes on RNA splicing suggest that this variant may create or strengthen a splice site. For these reasons, this variant has been classified as Pathogenic.

PreventionGenetics, part of Exact Sciences
Classification: Likely pathogenic for HSF4-related condition. Last evaluated: 2024-03-07. Review status: no assertion criteria provided. Collection method: clinical testing. Allele origin: germline. Not counted in ClinVar's aggregate classification.
Comment: The HSF4 c.568C>T variant is predicted to result in premature protein termination (p.Gln190*). To our knowledge, this variant has not been reported in the literature. This variant is reported in 0.0071% of alleles in individuals of European (Non-Finnish) descent in gnomAD. Nonsense variants in HSF4 are expected to be pathogenic. This variant is interpreted as likely pathogenic.

Literature cited by the submitters: PubMed 15959809 (cited by Labcorp Genetics (formerly Invitae), Labcorp).